The following is an entry in ClinVar:

ClinVar aggregate classification (germline): Pathogenic. Review status: criteria provided, multiple submitters, no conflicts (2 of 4 stars). 2 submissions from 2 submitters: Pathogenic (2). Last evaluated 2025-06-12.

Conditions:
Walker-Warburg congenital muscular dystrophy. Also called: Muscular dystrophy-dystroglycanopathy, type A; Walker-Warburg syndrome. Identifiers: Orphanet 899, MedGen C0265221, MONDO:0000171.
Muscular dystrophy-dystroglycanopathy (congenital with brain and eye anomalies), type A5. Also called: WALKER-WARBURG SYNDROME OR MUSCLE-EYE-BRAIN DISEASE, FKRP-RELATED; MUSCULAR DYSTROPHY-DYSTROGLYCANOPATHY (CONGENITAL WITH BRAIN AND EYE ANOMALIES), TYPE A, 5. Identifiers: Orphanet 588, Orphanet 899, MedGen C3150413, MONDO:0013157, OMIM 613153.

gnomAD v4.1: 16 of 1,594,740 alleles (0.001%); highest among the groups gnomAD compares: Non-Finnish European, 0.0014%; no homozygotes.

Submissions (2):

Labcorp Genetics (formerly Invitae), Labcorp
Classification: Pathogenic for Walker-Warburg congenital muscular dystrophy. Last evaluated: 2025-06-12. Review status: criteria provided, single submitter. Criteria: Invitae Variant Classification Sherloc (09022015). Collection method: clinical testing. Allele origin: germline.
Comment: This sequence change creates a premature translational stop signal (p.Gln73*) in the FKRP gene. While this is not anticipated to result in nonsense mediated decay, it is expected to disrupt the last 423 amino acid(s) of the FKRP protein. This variant is not present in population databases (gnomAD no frequency). This premature translational stop signal has been observed in individual(s) with limb-girdle muscular dystrophy (PMID: 28688748). ClinVar contains an entry for this variant (Variation ID: 2675706). This variant disrupts a region of the FKRP protein in which other variant(s) (p.Ile478Thr) have been determined to be pathogenic (PMID: 16476814, 18639457, 19299310). This suggests that this is a clinically significant region of the protein, and that variants that disrupt it are likely to be disease-causing. For these reasons, this variant has been classified as Pathogenic.

Baylor Genetics
Classification: Pathogenic for Muscular dystrophy-dystroglycanopathy (congenital with brain and eye anomalies), type A5. Last evaluated: 2024-01-30. Review status: criteria provided, single submitter. Criteria: ACMG Guidelines, 2015. Collection method: clinical testing. Allele origin: unknown.

Literature cited by the submitters: PubMed 28688748 (cited by Labcorp Genetics (formerly Invitae), Labcorp); PubMed 16476814 (cited by Labcorp Genetics (formerly Invitae), Labcorp); PubMed 18639457 (cited by Labcorp Genetics (formerly Invitae), Labcorp); PubMed 19299310 (cited by Labcorp Genetics (formerly Invitae), Labcorp).

NM_024301.5(FKRP):c.217C>T (p.Gln73Ter)

Gene: FKRP (fukutin related protein; plus strand). Cytogenetic location: 19q13.32.
Variant type: single nucleotide variant.
Coding change: c.217C>T on transcript NM_024301.5 (MANE Select); coding-DNA position 217, C replaced by T.
Protein change: p.Gln73Ter; replaces glutamine 73 with a stop codon.
Molecular consequence: nonsense.
Genome position (GRCh38, 1-based): chr19:46,755,667, C>T. VCF-style: chr19-46755667-C-T. GRCh37 (hg19) VCF-style: chr19-47258924-C-T.
Other names: c.217C>T, p.Gln73Ter (NM_001039885.3); short protein forms Q73*.
Identifiers: ClinVar variation 2675706 (VCV002675706.5), dbSNP rs2513986224, ClinGen allele CA406494896.